The following is an entry in ClinVar:

NM_032040.5(CCDC8):c.1010_1033del (p.Glu337_Arg344del)

Gene: CCDC8 (coiled-coil domain containing 8 subunit of 3M complex; minus strand). Cytogenetic location: 19q13.32.
Variant type: Deletion.
Coding change: c.1010_1033del on transcript NM_032040.5 (MANE Select); coding-DNA positions 1010 to 1033, 24 bases deleted (AAGAGGCTGCAGATAATCAGAGGG).
Protein change: p.Glu337_Arg344del.
Molecular consequence: inframe deletion.
Genome position (GRCh38, 1-based): chr19:46,411,778-46,411,801, CCCTCTGATTATCTGCAGCCTCTT deleted on the plus strand (AAGAGGCTGCAGATAATCAGAGGG on the coding strand, the reverse complement: CCDC8 is on the minus strand); deleting any 24 consecutive bases within chr19:46,411,778-46,411,824 gives the same sequence; the c. name uses the placement nearest the transcript's 3' end. VCF-style (leftmost placement, unchanged base first): chr19-46411777-GCCCTCTGATTATCTGCAGCCTCTT-G. GRCh37 (hg19) VCF-style: chr19-46915034-GCCCTCTGATTATCTGCAGCCTCTT-G.
Identifiers: ClinVar variation 1319607 (VCV001319607.6), dbSNP rs757781470, ClinGen allele CA9528556.

ClinVar aggregate classification (germline): Uncertain significance. Review status: criteria provided, multiple submitters, no conflicts (2 of 4 stars). 3 submissions from 3 submitters: Uncertain significance (3). Last evaluated 2025-09-10.

Conditions:
3M syndrome 3. Also called: THREE M SYNDROME 3; 3-M Syndrome, CCDC8-Related. Identifiers: Orphanet 2616, MedGen C3280146, MONDO:0013627, OMIM 614205.

Submissions (3):

Genomic Medicine Center of Excellence, King Faisal Specialist Hospital and Research Centre
Classification: Uncertain significance for 3M syndrome 3. Last evaluated: 2025-09-10. Review status: criteria provided, single submitter. Criteria: ACMG Guidelines, 2015. Collection method: clinical testing. Allele origin: germline.

Labcorp Genetics (formerly Invitae), Labcorp
Classification: Uncertain significance. Last evaluated: 2022-04-18. Review status: criteria provided, single submitter. Criteria: Invitae Variant Classification Sherloc (09022015). Collection method: clinical testing. Allele origin: germline.
Comment: This variant, c.1010_1033del, results in the deletion of 8 amino acid(s) of the CCDC8 protein (p.Glu337_Arg344del), but otherwise preserves the integrity of the reading frame. This variant is present in population databases (rs757781470, gnomAD 0.02%). This variant has not been reported in the literature in individuals affected with CCDC8-related conditions. ClinVar contains an entry for this variant (Variation ID: 1319607). Experimental studies and prediction algorithms are not available or were not evaluated, and the functional significance of this variant is currently unknown. In summary, the available evidence is currently insufficient to determine the role of this variant in disease. Therefore, it has been classified as a Variant of Uncertain Significance.

Institute for Clinical Genetics, University Hospital TU Dresden, University Hospital TU Dresden
Classification: Uncertain significance. Last evaluated: 2021-11-03. Review status: criteria provided, single submitter. Criteria: ACMG Guidelines, 2015. Collection method: clinical testing. Allele origin: germline.